The following is an entry in ClinVar:

ClinVar aggregate classification (germline): Benign (1 of 4 stars; one submission).

Conditions:
BAP1-related tumor predisposition syndrome (TPDS1). Also called: BAP1 tumor predisposition syndrome; Tumor susceptibility linked to germline BAP1 mutations; COMMON Syndrome; TUMOR PREDISPOSITION SYNDROME 1. Identifiers: Orphanet 289539, MedGen C3280492, MONDO:0013692, OMIM 614327.

Submission:

Myriad Genetics, Inc.
Classification: Benign for BAP1-related tumor predisposition syndrome. Last evaluated: 2024-07-15. Review status: criteria provided, single submitter. Criteria: Myriad Autosomal Dominant, Autosomal Recessive and X-Linked Classification Criteria (2023). Collection method: clinical testing. Allele origin: unknown.
Comment: This variant is considered benign. This variant is a silent/synonymous amino acid change and it is not expected to impact splicing.

NM_004656.4(BAP1):c.828T>G (p.Ser276=)

Gene: BAP1 (BRCA1 associated deubiquitinase 1; minus strand). Cytogenetic location: 3p21.1.
Variant type: single nucleotide variant.
Coding change: c.828T>G on transcript NM_004656.4 (MANE Select); coding-DNA position 828, T replaced by G.
Protein change: p.Ser276=; no amino-acid change (serine 276 retained).
Molecular consequence: synonymous variant.
Genome position (GRCh38, 1-based): chr3:52,405,868, A>C on the plus strand (T>G on the coding strand, the complement: BAP1 is on the minus strand). VCF-style: chr3-52405868-A-C. GRCh37 (hg19) VCF-style: chr3-52439884-A-C.
Other names: c.774T>G, p.Ser258= (NM_001410772.1).
Identifiers: ClinVar variation 3379109 (VCV003379109.1).